The following is an entry in ClinVar:

NM_206965.2(FTCD):c.677T>C (p.Leu226Pro)

Gene: FTCD (formimidoyltransferase cyclodeaminase; minus strand). Cytogenetic location: 21q22.3.
Variant type: single nucleotide variant.
Coding change: c.677T>C on transcript NM_206965.2 (MANE Select); coding-DNA position 677, T replaced by C.
Protein change: p.Leu226Pro; replaces leucine 226 with proline.
Molecular consequence: missense variant.
Genome position (GRCh38, 1-based): chr21:46,150,485, A>G on the plus strand (T>C on the coding strand, the complement: FTCD is on the minus strand). VCF-style: chr21-46150485-A-G. GRCh37 (hg19) VCF-style: chr21-47570399-A-G.
Other names: c.677T>C, p.Leu226Pro (NM_001320412.2, NM_006657.3); c.677T>C (NM_006657.2); short protein forms L226P.
Identifiers: ClinVar variation 198197 (VCV000198197.9), dbSNP rs149445900, ClinGen allele CA246724.

ClinVar aggregate classification (germline): Uncertain significance. Review status: criteria provided, multiple submitters, no conflicts (2 of 4 stars). 3 submissions from 3 submitters: Uncertain significance (3). Last evaluated 2024-11-25.

Conditions:
Inborn genetic diseases. Identifiers: MedGen C0950123, MeSH D030342.
Glutamate formiminotransferase deficiency. Also called: Arakawa syndrome 1; Formiminoglutamic aciduria. Identifiers: Orphanet 51208, MedGen C0268609, MONDO:0009240, OMIM 229100.

Allele frequency attached by ClinVar (database versions not stated): gnomAD exomes 0.00001 and 0.00006; ExAC 0.00011; gnomAD 0.00011 and 0.00012; TOPMed 0.00012; ESP Exome Variant Server 0.00031.
gnomAD v4.1: 31 of 1,613,080 alleles (0.0019%); highest among the groups gnomAD compares: African/African-American, 0.037%; no homozygotes.

Submissions (3):

Ambry Genetics
Classification: Uncertain significance for Inborn genetic diseases. Last evaluated: 2024-11-25. Review status: criteria provided, single submitter. Criteria: Ambry Variant Classification Scheme 2023. Collection method: clinical testing. Allele origin: germline.

Labcorp Genetics (formerly Invitae), Labcorp
Classification: Uncertain significance for Glutamate formiminotransferase deficiency. Last evaluated: 2022-07-12. Review status: criteria provided, single submitter. Criteria: Invitae Variant Classification Sherloc (09022015). Collection method: clinical testing. Allele origin: germline.
Comment: This sequence change replaces leucine, which is neutral and non-polar, with proline, which is neutral and non-polar, at codon 226 of the FTCD protein (p.Leu226Pro). This variant is present in population databases (rs149445900, gnomAD 0.08%). This variant has not been reported in the literature in individuals affected with FTCD-related conditions. ClinVar contains an entry for this variant (Variation ID: 198197). Algorithms developed to predict the effect of missense changes on protein structure and function are either unavailable or do not agree on the potential impact of this missense change (SIFT: "Deleterious"; PolyPhen-2: "Probably Damaging"; Align-GVGD: "Class C0"). In summary, the available evidence is currently insufficient to determine the role of this variant in disease. Therefore, it has been classified as a Variant of Uncertain Significance.

Eurofins Ntd Llc (ga)
Classification: Uncertain significance. Last evaluated: 2015-06-05. Review status: criteria provided, single submitter. Criteria: EGL Classification Definitions 2015. Collection method: clinical testing. Allele origin: germline. Observed: 1 variant allele, 1 heterozygote.